The following is an entry in ClinVar:

ClinVar aggregate classification (germline): Uncertain significance (1 of 4 stars; one submission).

gnomAD v4.1: 2 of 1,613,976 alleles (0.00012%); highest among the groups gnomAD compares: African/African-American, 0.0027%; no homozygotes.

Submission:

Labcorp Genetics (formerly Invitae), Labcorp
Classification: Uncertain significance. Last evaluated: 2024-11-15. Review status: criteria provided, single submitter. Criteria: Invitae Variant Classification Sherloc (09022015). Collection method: clinical testing. Allele origin: germline.
Comment: This sequence change replaces arginine, which is basic and polar, with lysine, which is basic and polar, at codon 208 of the TFRC protein (p.Arg208Lys). This variant is present in population databases (no rsID available, gnomAD 0.01%). This variant has not been reported in the literature in individuals affected with TFRC-related conditions. An algorithm developed to predict the effect of missense changes on protein structure and function (PolyPhen-2) suggests that this variant is likely to be tolerated. In summary, the available evidence is currently insufficient to determine the role of this variant in disease. Therefore, it has been classified as a Variant of Uncertain Significance.

NM_001128148.3(TFRC):c.623G>A (p.Arg208Lys)

Gene: TFRC (transferrin receptor; minus strand). Cytogenetic location: 3q29.
Variant type: single nucleotide variant.
Coding change: c.623G>A on transcript NM_001128148.3 (MANE Select); coding-DNA position 623, G replaced by A.
Protein change: p.Arg208Lys; replaces arginine 208 with lysine.
Molecular consequence: missense variant. On other transcripts: 5 prime UTR variant (1).
Genome position (GRCh38, 1-based): chr3:196,071,460, C>T on the plus strand (G>A on the coding strand, the complement: TFRC is on the minus strand). VCF-style: chr3-196071460-C-T. GRCh37 (hg19) VCF-style: chr3-195798331-C-T.
Other names: c.380G>A, p.Arg127Lys (NM_001313965.2); c.-224G>A (NM_001313966.2); c.623G>A, p.Arg208Lys (NM_003234.4); short protein forms R127K, R208K.
Identifiers: ClinVar variation 3673763 (VCV003673763.2).
Genomic context (GRCh38, chr3:196,071,460, plus strand): 5'-ACTGTTGCAGCCTTACTATACGCCACATAACCCCCAGGATTCTCCACCAGGTAAACAAGT[C>T]TACCGTTCTTATCAACTATGATCACCGAGTTTTGAGCGCTGTTAAAAAGATTAAGTTAAA-3'
Protein context (NP_001121620.1, residues 198-218): NSVIIVDKNG[Arg208Lys]LVYLVENPGG